The following is an entry in ClinVar:

ClinVar aggregate classification (germline): Uncertain significance (1 of 4 stars; one submission).

Allele frequency attached by ClinVar (database versions not stated): TOPMed below 0.00001.

Submission:

GeneDx
Classification: Uncertain significance. Last evaluated: 2022-03-22. Review status: criteria provided, single submitter. Criteria: GeneDx Variant Classification Process June 2021. Collection method: clinical testing. Allele origin: germline. Affected: yes.
Comment: Not observed at significant frequency in large population cohorts (gnomAD); In silico analysis supports that this missense variant does not alter protein structure/function; Has not been previously published as pathogenic or benign to our knowledge

NM_001128228.3(TPRN):c.1159G>C (p.Glu387Gln)

Gene: TPRN (taperin; minus strand). Cytogenetic location: 9q34.3.
Variant type: single nucleotide variant.
Coding change: c.1159G>C on transcript NM_001128228.3 (MANE Select); coding-DNA position 1159, G replaced by C.
Protein change: p.Glu387Gln; replaces glutamic acid 387 with glutamine.
Molecular consequence: missense variant.
Genome position (GRCh38, 1-based): chr9:137,199,553, C>G on the plus strand (G>C on the coding strand, the complement: TPRN is on the minus strand). VCF-style: chr9-137199553-C-G. GRCh37 (hg19) VCF-style: chr9-140094005-C-G.
Other names: short protein forms E387Q.
Identifiers: ClinVar variation 1706721 (VCV001706721.2), dbSNP rs1187168418, ClinGen allele CA375777413.